The following is an entry in ClinVar:

ClinVar aggregate classification (germline): Uncertain significance (1 of 4 stars; one submission).

gnomAD v4.1: 1 of 1,613,744 alleles (0.000062%); highest among the groups gnomAD compares: Non-Finnish European, 0.000085%; no homozygotes.

Submission:

Mayo Clinic Laboratories, Mayo Clinic
Classification: Uncertain significance. Last evaluated: 2023-08-08. Review status: criteria provided, single submitter. Criteria: ACMG Guidelines, 2015. Collection method: clinical testing. Allele origin: germline. Observed: 1 variant allele.
Comment: BP4_strong, PM2

NM_000098.3(CPT2):c.160A>G (p.Ile54Val)

Gene: CPT2 (carnitine palmitoyltransferase 2; plus strand). Cytogenetic location: 1p32.3.
Variant type: single nucleotide variant.
Coding change: c.160A>G on transcript NM_000098.3 (MANE Select); coding-DNA position 160, A replaced by G.
Protein change: p.Ile54Val; replaces isoleucine 54 with valine.
Molecular consequence: missense variant.
Genome position (GRCh38, 1-based): chr1:53,200,726, A>G. VCF-style: chr1-53200726-A-G. GRCh37 (hg19) VCF-style: chr1-53666398-A-G.
Other names: p.Ile54Val; c.160A>G, p.Ile54Val (NM_001330589.2); short protein forms I54V.
Identifiers: ClinVar variation 3379685 (VCV003379685.1).